The following is an entry in ClinVar:

NM_003737.4(DCHS1):c.6956A>C (p.Gln2319Pro)

Gene: DCHS1 (dachsous cadherin-related 1; minus strand). Cytogenetic location: 11p15.4.
Variant type: single nucleotide variant.
Coding change: c.6956A>C on transcript NM_003737.4 (MANE Select); coding-DNA position 6956, A replaced by C.
Protein change: p.Gln2319Pro; replaces glutamine 2319 with proline.
Molecular consequence: missense variant.
Genome position (GRCh38, 1-based): chr11:6,625,388, T>G on the plus strand (A>C on the coding strand, the complement: DCHS1 is on the minus strand). VCF-style: chr11-6625388-T-G. GRCh37 (hg19) VCF-style: chr11-6646619-T-G.
Other names: short protein forms Q2319P.
Identifiers: ClinVar variation 1028648 (VCV001028648.1), dbSNP rs1855778852, ClinGen allele CA379484107.

ClinVar aggregate classification (germline): Uncertain significance (1 of 4 stars; one submission).

Conditions:
Van Maldergem syndrome 1 (VMLDS1). Also called: Van Maldergem syndrome 1 (VMLDS1). Identifiers: Orphanet 314679, MedGen C4551950, MONDO:0011070, OMIM 601390.

Submission:

Baylor Genetics
Classification: Uncertain significance for Van Maldergem syndrome 1. Last evaluated: 2019-06-07. Review status: criteria provided, single submitter. Criteria: ACMG Guidelines, 2015. Collection method: clinical testing. Allele origin: de novo. Affected: yes.
Comment: This variant was determined to be of uncertain significance according to ACMG Guidelines, 2015 [PMID:25741868].